The following is an entry in ClinVar:

ClinVar aggregate classification (germline): Uncertain significance. Review status: criteria provided, multiple submitters, no conflicts (2 of 4 stars). 4 submissions from 4 submitters: Uncertain significance (4). Last evaluated 2024-10-30.

Conditions:
Hereditary spherocytosis type 1. Also called: Spherocytosis type 1; ANK1-Related Spherocytosis. Identifiers: Orphanet 822, MedGen C2674218, MONDO:0008447, OMIM 182900.
Hemolytic anemia. Identifiers: MedGen C0002878, MONDO:0003664, HP:0001878.

Allele frequency attached by ClinVar (database versions not stated): ExAC 0.00012; 1000 Genomes Project 30x 0.00078; 1000 Genomes Project 0.00080.
gnomAD v4.1: 73 of 1,614,170 alleles (0.0045%); highest among the groups gnomAD compares: East Asian, 0.16%; no homozygotes.

Submissions (4):

Mayo Clinic Laboratories, Mayo Clinic
Classification: Uncertain significance. Last evaluated: 2024-10-30. Review status: criteria provided, single submitter. Criteria: ACMG Guidelines, 2015. Collection method: clinical testing. Allele origin: germline. Observed: 1 variant allele.
Comment: BP4

ARUP Laboratories, Molecular Genetics and Genomics, ARUP Laboratories
Classification: Uncertain significance for Hereditary spherocytosis type 1. Last evaluated: 2024-09-19. Review status: criteria provided, single submitter. Criteria: ARUP Molecular Germline Variant Investigation Process 2024. Collection method: clinical testing. Allele origin: germline.
Comment: The ANK1 c.5372A>T; p.Asn1791Ile variant (rs201370791, ClinVar Variation ID: 2439067) is reported in the literature in one individual affected with hemolytic anemia (REF). This variant is found in the East Asian population with an allele frequency of 0.19% (37/19954 alleles) in the Genome Aggregation Database (v2.1.1). Computational analyses are uncertain whether this variant is neutral or deleterious (REVEL: 0.19). Due to limited information, the clinical significance of this variant is uncertain at this time. References: Choi YJ et al. Diagnostic yield of targeted next-generation sequencing for pediatric hereditary hemolytic anemia. BMC Med Genomics. 2023 Sep 11;16(1):215. PMID: 37697358.

Diagnostic Genetics, Severance Hospital, Yonsei University College of Medicine
Classification: Uncertain significance for Hemolytic anemia. Last evaluated: 2023-06-12. Review status: criteria provided, single submitter. Criteria: ACMG Guidelines, 2015. Collection method: clinical testing. Allele origin: germline.

Revvity Omics, Revvity
Classification: Uncertain significance for Hereditary spherocytosis type 1. Last evaluated: 2022-10-27. Review status: criteria provided, single submitter. Criteria: ACMG Guidelines, 2015. Collection method: clinical testing. Allele origin: germline.

Literature cited by the submitters: PubMed 37697358 (cited by Mayo Clinic Laboratories, Mayo Clinic).

NM_000037.4(ANK1):c.5372A>T (p.Asn1791Ile)

Gene: ANK1 (ankyrin 1; minus strand). Cytogenetic location: 8p11.21.
Variant type: single nucleotide variant.
Coding change: c.5372A>T on transcript NM_000037.4 (MANE Select); coding-DNA position 5372, A replaced by T.
Protein change: p.Asn1791Ile; replaces asparagine 1791 with isoleucine.
Molecular consequence: missense variant.
Genome position (GRCh38, 1-based): chr8:41,668,289, T>A on the plus strand (A>T on the coding strand, the complement: ANK1 is on the minus strand). VCF-style: chr8-41668289-T-A. GRCh37 (hg19) VCF-style: chr8-41525807-T-A.
Other names: p.Asn1791Ile; c.5495A>T (NM_001142446.1); c.5495A>T, p.Asn1832Ile (NM_001142446.2); c.5372A>T, p.Asn1791Ile (NM_020475.3, NM_020476.3); c.4886A>T, p.Asn1629Ile (NM_020477.3); short protein forms N1629I, N1791I, N1832I.
Identifiers: ClinVar variation 2439067 (VCV002439067.6), dbSNP rs201370791, ClinGen allele CA4727306.